The following is an entry in ClinVar:

NM_005188.4(CBL):c.2210T>C (p.Ile737Thr)

Gene: CBL (Cbl proto-oncogene; plus strand). Cytogenetic location: 11q23.3.
Variant type: single nucleotide variant.
Coding change: c.2210T>C on transcript NM_005188.4 (MANE Select); coding-DNA position 2210, T replaced by C.
Protein change: p.Ile737Thr; replaces isoleucine 737 with threonine.
Molecular consequence: missense variant.
Genome position (GRCh38, 1-based): chr11:119,297,440, T>C. VCF-style: chr11-119297440-T-C. GRCh37 (hg19) VCF-style: chr11-119168150-T-C.
Other names: short protein forms I737T.
Identifiers: ClinVar variation 4613811 (VCV004613811.1).

ClinVar aggregate classification (germline): Uncertain significance (1 of 4 stars; one submission).

Conditions:
Cardiovascular phenotype. Identifiers: MedGen CN230736.

Submission:

Ambry Genetics
Classification: Uncertain significance for Cardiovascular phenotype. Last evaluated: 2025-11-15. Review status: criteria provided, single submitter. Criteria: Ambry Variant Classification Scheme 2023. Collection method: clinical testing. Allele origin: germline.
Comment: The p.I737T variant (also known as c.2210T>C), located in coding exon 14 of the CBL gene, results from a T to C substitution at nucleotide position 2210. The isoleucine at codon 737 is replaced by threonine, an amino acid with similar properties. This amino acid position is conserved. In addition, this alteration is predicted to be deleterious by in silico analysis. Based on the available evidence, the clinical significance of this variant remains unclear.